The following is an entry in ClinVar:

NM_000059.4(BRCA2):c.6769C>T (p.Pro2257Ser)

Gene: BRCA2 (BRCA2 DNA repair associated; plus strand). Cytogenetic location: 13q13.1.
Variant type: single nucleotide variant.
Coding change: c.6769C>T on transcript NM_000059.4 (MANE Select); coding-DNA position 6769, C replaced by T.
Protein change: p.Pro2257Ser; replaces proline 2257 with serine.
Molecular consequence: missense variant.
Genome position (GRCh38, 1-based): chr13:32,341,124, C>T. VCF-style: chr13-32341124-C-T. GRCh37 (hg19) VCF-style: chr13-32915261-C-T.
Other names: short protein forms P2257S.
Identifiers: ClinVar variation 580004 (VCV000580004.10), dbSNP rs1566235374, ClinGen allele CA387791215.

ClinVar aggregate classification (germline): Conflicting classifications of pathogenicity. Review status: criteria provided, conflicting classifications (1 of 4 stars). 2 submissions from 2 submitters: Uncertain significance (1); Likely benign (1). Last evaluated 2023-03-23.

Conditions:
Hereditary breast ovarian cancer syndrome. Also called: Hereditary breast and ovarian cancer syndrome; Hereditary breast and ovarian cancer syndrome (HBOC); BRCA1- and BRCA2-Associated Hereditary Breast and Ovarian Cancer; Hereditary breast and/or ovarian cancer syndrome; Hereditary breast and ovarian cancer; Breast and ovarian cancer. Identifiers: Orphanet 145, MedGen C0677776, MeSH D061325, MONDO:0003582. Disease mechanism: loss of function.
Hereditary cancer-predisposing syndrome. Also called: Neoplastic Syndromes, Hereditary; Tumor predisposition; Hereditary neoplastic syndrome; Hereditary Cancer Syndrome. Identifiers: Orphanet 140162, MedGen C0027672, MeSH D009386, MONDO:0015356.

Submissions (2):

University of Washington Department of Laboratory Medicine, University of Washington
Classification: Likely benign for Hereditary cancer-predisposing syndrome. Last evaluated: 2023-03-23. Review status: criteria provided, single submitter. Criteria: Dines et al. (Genet Med. 2020). Collection method: curation. Allele origin: germline.
Comment: Missense variant in a coldspot region where missense variants are very unlikely to be pathogenic (PMID:31911673).

BRCA2 exon 11 coldspot. Reclassification based on statistical prior probability.

Labcorp Genetics (formerly Invitae), Labcorp
Classification: Uncertain significance for Hereditary breast ovarian cancer syndrome. Last evaluated: 2018-06-19. Review status: criteria provided, single submitter. Criteria: Invitae Variant Classification Sherloc (09022015). Collection method: clinical testing. Allele origin: germline.
Comment: In summary, the available evidence is currently insufficient to determine the role of this variant in disease. Therefore, it has been classified as a Variant of Uncertain Significance. Algorithms developed to predict the effect of missense changes on protein structure and function (SIFT, PolyPhen-2, Align-GVGD) all suggest that this variant is likely to be tolerated, but these predictions have not been confirmed by published functional studies and their clinical significance is uncertain. This variant has not been reported in the literature in individuals with BRCA2-related disease. This variant is not present in population databases (ExAC no frequency). This sequence change replaces proline with serine at codon 2257 of the BRCA2 protein (p.Pro2257Ser). The proline residue is weakly conserved and there is a moderate physicochemical difference between proline and serine.